The following is an entry in ClinVar:

NM_015021.3(ZNF292):c.193T>A (p.Trp65Arg)

Gene: ZNF292 (zinc finger protein 292; plus strand). Cytogenetic location: 6q14.3.
Variant type: single nucleotide variant.
Coding change: c.193T>A on transcript NM_015021.3 (MANE Select); coding-DNA position 193, T replaced by A.
Protein change: p.Trp65Arg; replaces tryptophan 65 with arginine.
Molecular consequence: missense variant. On other transcripts: 5 prime UTR variant (1).
Genome position (GRCh38, 1-based): chr6:87,215,927, T>A. VCF-style: chr6-87215927-T-A. GRCh37 (hg19) VCF-style: chr6-87925645-T-A.
Other names: c.-228T>A (NM_001351444.2); short protein forms W65R.
Identifiers: ClinVar variation 4281982 (VCV004281982.2).

ClinVar aggregate classification (germline): Uncertain significance (1 of 4 stars; one submission).

Submission:

GeneDx
Classification: Uncertain significance. Last evaluated: 2026-03-03. Review status: criteria provided, single submitter. Criteria: GeneDx Variant Classification Process June 2021. Collection method: clinical testing. Allele origin: germline.
Comment: Not observed at significant frequency in large population cohorts (gnomAD); In silico analysis supports that this missense variant has a deleterious effect on protein structure/function; Has not been previously published as pathogenic or benign to our knowledge